The following is an entry in ClinVar:

ClinVar aggregate classification (germline): Uncertain significance (1 of 4 stars; one submission).

Submission:

GeneDx
Classification: Uncertain significance. Last evaluated: 2022-02-22. Review status: criteria provided, single submitter. Criteria: GeneDx Variant Classification Process June 2021. Collection method: clinical testing. Allele origin: germline. Affected: yes.
Comment: Not observed at significant frequency in large population cohorts (gnomAD); In silico analysis supports that this missense variant has a deleterious effect on protein structure/function; Has not been previously published as pathogenic or benign to our knowledge

NM_001374736.1(DST):c.4649C>T (p.Ser1550Phe)

Gene: DST (dystonin; minus strand). Cytogenetic location: 6p12.1.
Variant type: single nucleotide variant.
Coding change: c.4649C>T on transcript NM_001374736.1 (MANE Select); coding-DNA position 4649, C replaced by T.
Protein change: p.Ser1550Phe; replaces serine 1550 with phenylalanine.
Molecular consequence: missense variant.
Genome position (GRCh38, 1-based): chr6:56,627,277, G>A on the plus strand (C>T on the coding strand, the complement: DST is on the minus strand). VCF-style: chr6-56627277-G-A. GRCh37 (hg19) VCF-style: chr6-56492075-G-A.
Other names: c.3038C>T, p.Ser1013Phe (NM_001723.7, NM_015548.5); c.4016C>T, p.Ser1339Phe (NM_183380.4, NM_001374729.1, NM_001374730.1 and 1 more transcripts); c.4550C>T, p.Ser1517Phe (NM_001144769.5); c.4136C>T, p.Ser1379Phe (NM_001144770.2); c.4649C>T, p.Ser1550Phe (NM_001374722.1); c.4676C>T, p.Ser1559Phe (NM_001374734.1); short protein forms S1013F, S1339F, S1379F, S1517F, S1550F, S1559F.
Identifiers: ClinVar variation 1702718 (VCV001702718.2), dbSNP rs2152751692, ClinGen allele CA364573105.
Genomic context (GRCh38, chr6:56,627,277, plus strand): 5'-GAGTACTGTTCTGCATATTTTTGACACTCGTCCATTTTGCTCTGTTTCATTTCTATTTCG[G>A]ACACCAGCATCTATAAATATACACAGTTTAGAACAAAAATGACAAGGAATTCAGCTATTC-3'
Protein context (NP_001361665.1, residues 1540-1560): TQLNQQKMLV[Ser1550Phe]EIEMKQSKMD